The following is an entry in ClinVar:

ClinVar aggregate classification (germline): Pathogenic (1 of 4 stars; one submission).

Submission:

Labcorp Genetics (formerly Invitae), Labcorp
Classification: Pathogenic. Last evaluated: 2023-07-15. Review status: criteria provided, single submitter. Criteria: Invitae Variant Classification Sherloc (09022015). Collection method: clinical testing. Allele origin: germline.
Comment: This premature translational stop signal has been observed in individual(s) with acrodermatitis enteropathica (PMID: 30980548). It has also been observed to segregate with disease in related individuals. For these reasons, this variant has been classified as Pathogenic. This variant is not present in population databases (gnomAD no frequency). This sequence change creates a premature translational stop signal (p.Gln36*) in the SLC39A4 gene. It is expected to result in an absent or disrupted protein product. Loss-of-function variants in SLC39A4 are known to be pathogenic (PMID: 12955721).

Literature cited by the submitters: PubMed 30980548; PubMed 12955721.

NM_130849.4(SLC39A4):c.106C>T (p.Gln36Ter)

Gene: SLC39A4 (solute carrier family 39 member 4; minus strand). Cytogenetic location: 8q24.3.
Variant type: single nucleotide variant.
Coding change: c.106C>T on transcript NM_130849.4 (MANE Select); coding-DNA position 106, C replaced by T.
Protein change: p.Gln36Ter; replaces glutamine 36 with a stop codon.
Molecular consequence: nonsense.
Genome position (GRCh38, 1-based): chr8:144,416,684, G>A on the plus strand (C>T on the coding strand, the complement: SLC39A4 is on the minus strand). VCF-style: chr8-144416684-G-A. GRCh37 (hg19) VCF-style: chr8-145642068-G-A.
Other names: c.106C>T, p.Gln36Ter (NM_001374839.1); short protein forms Q36*.
Identifiers: ClinVar variation 2972627 (VCV002972627.3), dbSNP rs2537440326, ClinGen allele CA372628318.